The following is an entry in ClinVar:

ClinVar aggregate classification (germline): Uncertain significance (1 of 4 stars; one submission).

Submission:

GeneDx
Classification: Uncertain significance. Last evaluated: 2023-12-26. Review status: criteria provided, single submitter. Criteria: GeneDx Variant Classification Process June 2021. Collection method: clinical testing. Allele origin: germline. Affected: yes.
Comment: Not observed at significant frequency in large population cohorts (gnomAD); Has not been previously published as pathogenic or benign to our knowledge; In silico analysis is inconclusive as to whether the variant alters gene splicing. In the absence of RNA/functional studies, the actual effect of this sequence change is unknown.

NM_181552.4(CUX1):c.1894+5G>C

Gene: CUX1 (cut like homeobox 1; plus strand). Cytogenetic location: 7q22.1.
Variant type: single nucleotide variant.
Coding change: c.1894+5G>C on transcript NM_181552.4 (MANE Select); 5 bases into the intron after coding-DNA position 1894, G replaced by C.
Molecular consequence: intron variant.
Genome position (GRCh38, 1-based): chr7:102,197,310, G>C. VCF-style: chr7-102197310-G-C. GRCh37 (hg19) VCF-style: chr7-101840590-G-C.
Other names: c.1255+1707G>C (NM_001913.5); c.1249+1707G>C (NM_181500.4); c.1117+1707G>C (NM_001202545.3); c.1207+1707G>C (NM_001202544.3); c.1138+1707G>C (NM_001202546.3); c.1927+5G>C (NM_001202543.2).
Identifiers: ClinVar variation 3370135 (VCV003370135.1).
Genomic context (GRCh38, chr7:102,197,310, plus strand): 5'-CCTCTCCGATGAGCAGAACATCCTGGCCCTCCGTAGCATCCAAGGCAGACAAAGAGGTGA[G>C]AGACTGGCGTTGGGTGGCGCCAGCGTGCGAGCCCGTCACAGAGTTGCACATGTGTGTGTG-3'